The following is an entry in ClinVar:

ClinVar aggregate classification (germline): Benign/Likely benign. Review status: criteria provided, multiple submitters, no conflicts (2 of 4 stars). 8 submissions from 8 submitters: Benign (7); Likely benign (1). Last evaluated 2026-06-01.

Conditions:
Developmental and epileptic encephalopathy, 69. Also called: EPILEPTIC ENCEPHALOPATHY, EARLY INFANTILE, 69. Identifiers: MedGen C4748988, MONDO:0032657, OMIM 618285.

Allele frequency attached by ClinVar (database versions not stated): TOPMed 0.00147; 1000 Genomes Project 30x 0.00156; gnomAD 0.00157 and 0.00161; 1000 Genomes Project 0.00160; ESP Exome Variant Server 0.00170; gnomAD exomes 0.00186 and 0.00327; ExAC 0.00197.
gnomAD v4.1: 4,905 of 1,597,472 alleles (0.31%); highest among the groups gnomAD compares: Non-Finnish European, 0.37%; 18 homozygotes.

Submissions (8):

CeGaT Center for Human Genetics Tuebingen
Classification: Benign. Last evaluated: 2026-06-01. Review status: criteria provided, single submitter. Criteria: CeGaT Center For Human Genetics Tuebingen Variant Classification Criteria Version 2. Collection method: clinical testing. Allele origin: germline. Affected: yes. Observed: 8 variant alleles.
Comment: CACNA1E: BP4, BP7, BS1, BS2

Labcorp Genetics (formerly Invitae), Labcorp
Classification: Benign. Last evaluated: 2026-02-02. Review status: criteria provided, single submitter. Criteria: Invitae Variant Classification Sherloc (09022015). Collection method: clinical testing. Allele origin: germline.

Blueprint Genetics
Classification: Likely benign. Last evaluated: 2024-11-22. Review status: criteria provided, single submitter. Criteria: ACMG Guidelines, 2015. Collection method: clinical testing. Allele origin: germline.

Mayo Clinic Laboratories, Mayo Clinic
Classification: Benign. Last evaluated: 2024-10-17. Review status: criteria provided, single submitter. Criteria: ACMG Guidelines, 2015. Collection method: clinical testing. Allele origin: germline. Observed: 1 variant allele.
Comment: BS1, BS2, BP4, BP7

ARUP Laboratories, Molecular Genetics and Genomics, ARUP Laboratories
Classification: Benign for Developmental and epileptic encephalopathy, 69. Last evaluated: 2023-09-18. Review status: criteria provided, single submitter. Criteria: ARUP Molecular Germline Variant Investigation Process 2024. Collection method: clinical testing. Allele origin: germline.

Genome-Nilou Lab
Classification: Benign for Developmental and epileptic encephalopathy, 69. Last evaluated: 2023-04-11. Review status: criteria provided, single submitter. Criteria: ACMG Guidelines, 2015. Collection method: clinical testing. Allele origin: germline. Affected: no.

GeneDx
Classification: Benign. Last evaluated: 2021-04-12. Review status: criteria provided, single submitter. Criteria: GeneDx Variant Classification Process June 2021. Collection method: clinical testing. Allele origin: germline. Affected: yes.

Breakthrough Genomics
Classification: Benign. Review status: criteria provided, single submitter. Criteria: ACMG Guidelines, 2015. Collection method: not provided. Allele origin: germline. Inheritance: Autosomal dominant inheritance. Affected: yes.

NM_001205293.3(CACNA1E):c.3207C>T (p.Ser1069=)

Gene: CACNA1E (calcium voltage-gated channel subunit alpha1 E; plus strand). Cytogenetic location: 1q25.3.
Variant type: single nucleotide variant.
Coding change: c.3207C>T on transcript NM_001205293.3 (MANE Select); coding-DNA position 3207, C replaced by T.
Protein change: p.Ser1069=; no amino-acid change (serine 1069 retained).
Molecular consequence: synonymous variant.
Genome position (GRCh38, 1-based): chr1:181,733,695, C>T. VCF-style: chr1-181733695-C-T. GRCh37 (hg19) VCF-style: chr1-181702831-C-T.
Other names: p.Ser1069=; c.3207C>T, p.Ser1069= (NM_000721.4); c.3150C>T, p.Ser1050= (NM_001205294.2).
Identifiers: ClinVar variation 1168381 (VCV001168381.39), dbSNP rs200952541, ClinGen allele CA1275504.